The following is an entry in ClinVar:

NM_000097.7(CPOX):c.1077G>C (p.Arg359Ser)

Gene: CPOX (coproporphyrinogen oxidase; minus strand). Cytogenetic location: 3q11.2.
Variant type: single nucleotide variant.
Coding change: c.1077G>C on transcript NM_000097.7 (MANE Select); coding-DNA position 1077, G replaced by C.
Protein change: p.Arg359Ser; replaces arginine 359 with serine.
Molecular consequence: missense variant.
Genome position (GRCh38, 1-based): chr3:98,585,536, C>G on the plus strand (G>C on the coding strand, the complement: CPOX is on the minus strand). VCF-style: chr3-98585536-C-G. GRCh37 (hg19) VCF-style: chr3-98304380-C-G.
Other names: short protein forms R359S.
Identifiers: ClinVar variation 1716081 (VCV001716081.5), dbSNP rs1707345051, ClinGen allele CA353644998.
Genomic context (GRCh38, chr3:98,585,536, plus strand): 5'-GGGGGTGAATGAGTCATCACAGTGCTTTTTCACAAGGGGAATGTAAGAAGGAACTACAGC[C>G]CTGGCACAGCTCTGTACAAAGCGAAACACCTCCTCCTTGGACGGAGAGTCAAGATCATCA-3'
Protein context (NP_000088.3, residues 349-369): EVFRFVQSCA[Arg359Ser]AVVPSYIPLV

ClinVar aggregate classification (germline): Uncertain significance (1 of 4 stars; one submission).

gnomAD v4.1: 1 of 1,614,042 alleles (0.000062%); highest among the groups gnomAD compares: Non-Finnish European, 0.000085%; no homozygotes.

Submission:

Labcorp Genetics (formerly Invitae), Labcorp
Classification: Uncertain significance. Last evaluated: 2026-01-05. Review status: criteria provided, single submitter. Criteria: Invitae Variant Classification Sherloc (09022015). Collection method: clinical testing. Allele origin: germline.
Comment: This sequence change replaces arginine, which is basic and polar, with serine, which is neutral and polar, at codon 359 of the CPOX protein (p.Arg359Ser). This variant is not present in population databases (gnomAD no frequency). This variant has not been reported in the literature in individuals affected with CPOX-related conditions. ClinVar contains an entry for this variant (Variation ID: 1716081). Invitae Evidence Modeling of protein sequence and biophysical properties (such as structural, functional, and spatial information, amino acid conservation, physicochemical variation, residue mobility, and thermodynamic stability) indicates that this missense variant is not expected to disrupt CPOX protein function with a negative predictive value of 80%. In summary, the available evidence is currently insufficient to determine the role of this variant in disease. Therefore, it has been classified as a Variant of Uncertain Significance.